The following is an entry in ClinVar:

NM_001130438.3(SPTAN1):c.5832+3G>A

Gene: SPTAN1 (spectrin alpha, non-erythrocytic 1; plus strand). Cytogenetic location: 9q34.11.
Variant type: single nucleotide variant.
Coding change: c.5832+3G>A on transcript NM_001130438.3 (MANE Select); 3 bases into the intron after coding-DNA position 5832, G replaced by A.
Molecular consequence: intron variant.
Genome position (GRCh38, 1-based): chr9:128,621,259, G>A. VCF-style: chr9-128621259-G-A. GRCh37 (hg19) VCF-style: chr9-131383538-G-A.
Other names: c.5868+3G>A (NM_001375318.1, NM_001375312.2); c.5832+3G>A (NM_001375311.2, NM_001375310.1, NM_001363759.2 and 1 more transcripts); c.5772+3G>A (NM_001375314.2, NM_001363765.2); c.5817+3G>A (NM_003127.4); c.5757+3G>A (NM_001195532.2).
Identifiers: ClinVar variation 1497436 (VCV001497436.7), dbSNP rs1368511172, ClinGen allele CA590639309.

ClinVar aggregate classification (germline): Uncertain significance (1 of 4 stars; one submission).

Conditions:
Early-infantile DEE. Also called: Early infantile epileptic encephalopathy; Early infantile epileptic encephalopathy with suppression bursts; Ohtahara syndrome. Identifiers: Orphanet 1934, MedGen C0393706, MONDO:0800491.

Allele frequency attached by ClinVar (database versions not stated): gnomAD exomes below 0.00001.
gnomAD v4.1: 2 of 1,612,280 alleles (0.00012%); highest among the groups gnomAD compares: South Asian, 0.0011%; no homozygotes.

Submission:

Labcorp Genetics (formerly Invitae), Labcorp
Classification: Uncertain significance for Early-infantile DEE. Last evaluated: 2021-07-14. Review status: criteria provided, single submitter. Criteria: Invitae Variant Classification Sherloc (09022015). Collection method: clinical testing. Allele origin: germline.
Comment: In summary, the available evidence is currently insufficient to determine the role of this variant in disease. Therefore, it has been classified as a Variant of Uncertain Significance. Nucleotide substitutions within the consensus splice site are a relatively common cause of aberrant splicing (PMID: 17576681, 9536098). Algorithms developed to predict the effect of sequence changes on RNA splicing suggest that this variant is not likely to affect RNA splicing. This variant has not been reported in the literature in individuals affected with SPTAN1-related conditions. This variant is not present in population databases (ExAC no frequency). This sequence change falls in intron 45 of the SPTAN1 gene. It does not directly change the encoded amino acid sequence of the SPTAN1 protein. It affects a nucleotide within the consensus splice site of the intron.

Literature cited by the submitters: PubMed 17576681; PubMed 9536098.